The following is an entry in ClinVar:

ClinVar aggregate classification (germline): Uncertain significance. Review status: criteria provided, multiple submitters, no conflicts (2 of 4 stars). 2 submissions from 2 submitters: Uncertain significance (2). Last evaluated 2023-12-12.

Allele frequency attached by ClinVar (database versions not stated): ESP Exome Variant Server 0.00008; TOPMed 0.00008; gnomAD 0.00011; ExAC 0.00018.

Submissions (2):

Ambry Genetics
Classification: Uncertain significance. Last evaluated: 2023-12-12. Review status: criteria provided, single submitter. Criteria: Ambry Variant Classification Scheme 2023. Collection method: clinical testing. Allele origin: germline.

Labcorp Genetics (formerly Invitae), Labcorp
Classification: Uncertain significance. Last evaluated: 2023-07-09. Review status: criteria provided, single submitter. Criteria: Invitae Variant Classification Sherloc (09022015). Collection method: clinical testing. Allele origin: germline.
Comment: Experimental studies and prediction algorithms are not available or were not evaluated, and the functional significance of this variant is currently unknown. This sequence change replaces alanine, which is neutral and non-polar, with threonine, which is neutral and polar, at codon 129 of the EXOC6B protein (p.Ala129Thr). This variant is present in population databases (rs200729170, gnomAD 0.2%). This variant has not been reported in the literature in individuals affected with EXOC6B-related conditions. ClinVar contains an entry for this variant (Variation ID: 2065717). In summary, the available evidence is currently insufficient to determine the role of this variant in disease. Therefore, it has been classified as a Variant of Uncertain Significance.

NM_015189.3(EXOC6B):c.385G>A (p.Ala129Thr)

Gene: EXOC6B (exocyst complex component 6B; minus strand). Cytogenetic location: 2p13.2.
Variant type: single nucleotide variant.
Coding change: c.385G>A on transcript NM_015189.3 (MANE Select); coding-DNA position 385, G replaced by A.
Protein change: p.Ala129Thr; replaces alanine 129 with threonine.
Molecular consequence: missense variant. On other transcripts: non-coding transcript variant (2).
Genome position (GRCh38, 1-based): chr2:72,731,188, C>T on the plus strand (G>A on the coding strand, the complement: EXOC6B is on the minus strand). VCF-style: chr2-72731188-C-T. GRCh37 (hg19) VCF-style: chr2-72958317-C-T.
Other names: c.385G>A, p.Ala129Thr (NM_001321729.2, NM_001321730.2, NM_001321731.2 and 1 more transcripts); c.46G>A, p.Ala16Thr (NM_001321734.2); c.385G>A (NM_015189.1); short protein forms A16T, A129T.
Identifiers: ClinVar variation 2065717 (VCV002065717.3), dbSNP rs200729170, ClinGen allele CA1708757.